The following is an entry in ClinVar:

ClinVar aggregate classification (germline): Uncertain significance (1 of 4 stars; one submission).

Conditions:
Hypomyelination and Congenital Cataract (HLD5). Also called: hypomyelinating leukodystrophy 5. Identifiers: Orphanet 85163, MedGen C1864663, MONDO:0012514, OMIM 610532.

Submission:

Labcorp Genetics (formerly Invitae), Labcorp
Classification: Uncertain significance for Hypomyelination and Congenital Cataract. Last evaluated: 2021-12-30. Review status: criteria provided, single submitter. Criteria: Invitae Variant Classification Sherloc (09022015). Collection method: clinical testing. Allele origin: germline.
Comment: This variant has not been reported in the literature in individuals affected with FAM126A-related conditions. This variant is not present in population databases (gnomAD no frequency). This sequence change falls in intron 9 of the FAM126A gene. It does not directly change the encoded amino acid sequence of the FAM126A protein. It affects a nucleotide within the consensus splice site. In summary, the available evidence is currently insufficient to determine the role of this variant in disease. Therefore, it has been classified as a Variant of Uncertain Significance. Variants that disrupt the consensus splice site are a relatively common cause of aberrant splicing (PMID: 17576681, 9536098). Algorithms developed to predict the effect of sequence changes on RNA splicing suggest that this variant is not likely to affect RNA splicing.

Literature cited by the submitters: PubMed 17576681; PubMed 9536098.

NM_032581.4(HYCC1):c.831+4G>A

Gene: HYCC1 (hyccin PI4KA lipid kinase complex subunit 1; minus strand). Cytogenetic location: 7p15.3.
Variant type: single nucleotide variant.
Coding change: c.831+4G>A on transcript NM_032581.4 (MANE Select); 4 bases into the intron after coding-DNA position 831, G replaced by A.
Molecular consequence: intron variant.
Genome position (GRCh38, 1-based): chr7:22,961,231, C>T on the plus strand (G>A on the coding strand, the complement: HYCC1 is on the minus strand). VCF-style: chr7-22961231-C-T. GRCh37 (hg19) VCF-style: chr7-23000850-C-T.
Other names: c.831+4G>A (NM_001363467.2, NM_001363466.2).
Identifiers: ClinVar variation 1978168 (VCV001978168.5), dbSNP rs2534378545, ClinGen allele CA2580076944.